The following is an entry in ClinVar:

ClinVar aggregate classification (germline): Pathogenic/Likely pathogenic. Review status: criteria provided, multiple submitters, no conflicts (2 of 4 stars). 5 submissions from 5 submitters: Pathogenic (2); Likely pathogenic (1). 2 of the submissions do not count toward it. Last evaluated 2025-12-10.

Conditions:
CLN5-related disorder. Also called: CLN5-related condition.
Neuronal ceroid lipofuscinosis. Also called: Neuronal Ceroid Lipofuscinoses. Identifiers: Orphanet 216, Orphanet 79263, MedGen C0027877, MONDO:0016295. Disease mechanism: loss of function.
Neuronal ceroid lipofuscinosis 5 (CLN5). Also called: CEROID LIPOFUSCINOSIS, NEURONAL, 5, VARIABLE AGE AT ONSET; CLN5-Related Neuronal Ceroid-Lipofuscinosis; Neuronal ceroid lipofuscinosis Finnish variant; NEURONAL CEROID LIPOFUSCINOSIS, LATE INFANTILE, FINNISH VARIANT. Identifiers: Orphanet 168491, Orphanet 228360, MedGen C1850442, MONDO:0009745, OMIM 256731.

Allele frequency attached by ClinVar (database versions not stated): gnomAD exomes below 0.00001.
gnomAD v4.1: 3 of 1,612,292 alleles (0.00019%); highest among the groups gnomAD compares: Non-Finnish European, 0.00025%; no homozygotes.

Submissions (5):

Labcorp Genetics (formerly Invitae), Labcorp
Classification: Pathogenic for Neuronal ceroid lipofuscinosis. Last evaluated: 2025-12-10. Review status: criteria provided, single submitter. Criteria: Invitae Variant Classification Sherloc (09022015). Collection method: clinical testing. Allele origin: germline.
Comment: This sequence change creates a premature translational stop signal (p.Glu352*) in the CLN5 gene. While this is not anticipated to result in nonsense mediated decay, it is expected to disrupt the last 56 amino acid(s) of the CLN5 protein. This variant is not present in population databases (gnomAD no frequency). This premature translational stop signal has been observed in individual(s) with neuronal ceroid lipofuscinoses (PMID: 18684116). ClinVar contains an entry for this variant (Variation ID: 2568). Algorithms developed to predict the effect of variants on gene product structure and function are not available or were not evaluated for this variant. Experimental studies have shown that this premature translational stop signal affects CLN5 function (PMID: 24038957). This variant disrupts a region of the CLN5 protein in which other variant(s) (p.Tyr392*) have been determined to be pathogenic (PMID: 9662406; internal data). This suggests that this is a clinically significant region of the protein, and that variants that disrupt it are likely to be disease-causing. For these reasons, this variant has been classified as Pathogenic.

Baylor Genetics
Classification: Pathogenic for Neuronal ceroid lipofuscinosis 5. Last evaluated: 2023-11-20. Review status: criteria provided, single submitter. Criteria: ACMG Guidelines, 2015. Collection method: clinical testing. Allele origin: unknown.

Blueprint Genetics
Classification: Likely pathogenic for CLN5-related disorders. Last evaluated: 2020-10-20. Review status: criteria provided, single submitter. Criteria: ACMG Guidelines, 2015. Collection method: clinical testing. Allele origin: germline. Affected: yes. Observed: 2 variant alleles.

Counsyl
Classification: Likely pathogenic for Neuronal ceroid lipofuscinosis 5. Last evaluated: 2015-12-31. Review status: no assertion criteria provided. Collection method: clinical testing. Allele origin: unknown. Not counted in ClinVar's aggregate classification.

OMIM
Classification: Pathogenic for CEROID LIPOFUSCINOSIS, NEURONAL, 5. Last evaluated: 2008-09-01. Review status: no assertion criteria provided. Collection method: literature only. Allele origin: germline. Not counted in ClinVar's aggregate classification.

Literature cited by the submitters: PubMed 18684116 (cited by 3 submitters); PubMed 24038957 (cited by Labcorp Genetics (formerly Invitae), Labcorp and Counsyl); PubMed 9662406 (cited by Labcorp Genetics (formerly Invitae), Labcorp).

NM_006493.4(CLN5):c.907G>T (p.Glu303Ter)

Gene: CLN5 (CLN5 lysosomal BMP synthase; plus strand). Cytogenetic location: 13q22.3.
Variant type: single nucleotide variant.
Coding change: c.907G>T on transcript NM_006493.4 (MANE Select); coding-DNA position 907, G replaced by T.
Protein change: p.Glu303Ter; replaces glutamic acid 303 with a stop codon.
Molecular consequence: nonsense. On other transcripts: 3 prime UTR variant (1).
Genome position (GRCh38, 1-based): chr13:77,000,799, G>T. VCF-style: chr13-77000799-G-T. GRCh37 (hg19) VCF-style: chr13-77574934-G-T.
Other names: E352*; c.1054G>T, p.Glu352Ter (LRG_692t1); c.*356G>T (NM_001366624.2); short protein forms E303*.
Identifiers: ClinVar variation 2568 (VCV000002568.9), dbSNP rs121908292, ClinGen allele CA252333.